The following is an entry in ClinVar:

NM_152296.5(ATP1A3):c.2648G>A (p.Arg883His)

Gene: ATP1A3 (ATPase Na+/K+ transporting subunit alpha 3; minus strand). Cytogenetic location: 19q13.2.
Variant type: single nucleotide variant.
Coding change: c.2648G>A on transcript NM_152296.5 (MANE Select); coding-DNA position 2648, G replaced by A.
Protein change: p.Arg883His; replaces arginine 883 with histidine.
Molecular consequence: missense variant.
Genome position (GRCh38, 1-based): chr19:41,969,475, C>T on the plus strand (G>A on the coding strand, the complement: ATP1A3 is on the minus strand). VCF-style: chr19-41969475-C-T. GRCh37 (hg19) VCF-style: chr19-42473627-C-T.
Other names: c.2681G>A, p.Arg894His (NM_001256213.2); c.2687G>A, p.Arg896His (NM_001256214.2); c.2687G>A (NM_001256214.1); short protein forms R883H, R894H, R896H.
Identifiers: ClinVar variation 1804858 (VCV001804858.4), dbSNP rs782627825, ClinGen allele CA9467331.

ClinVar aggregate classification (germline): Uncertain significance. Review status: criteria provided, multiple submitters, no conflicts (2 of 4 stars). 3 submissions from 3 submitters: Uncertain significance (3). Last evaluated 2025-10-21.

Conditions:
ATP1A3-related disorder. Also called: ATP1A3-related disorders; ATP1A3-related condition. Identifiers: MedGen CN381097.
Dystonia 12 (DYT12). Also called: Rapid-Onset Dystonia-Parkinsonism (RDP); DYT-ATP1A3. Identifiers: Orphanet 71517, MedGen C1868681, MONDO:0007496, OMIM 128235.

Allele frequency attached by ClinVar (database versions not stated): gnomAD 0.00001; gnomAD exomes 0.00001; TOPMed 0.00001; ExAC 0.00002.
gnomAD v4.1: 17 of 1,614,068 alleles (0.0011%); highest among the groups gnomAD compares: Admixed American, 0.005%; no homozygotes.

Submissions (3):

PreventionGenetics, part of Exact Sciences
Classification: Uncertain significance for ATP1A3-related condition. Last evaluated: 2025-10-21. Review status: criteria provided, single submitter. Criteria: ACMG Guidelines, 2015. Collection method: clinical testing. Allele origin: germline.
Comment: The ATP1A3 c.2687G>A variant is predicted to result in the amino acid substitution p.Arg896His. This variant has been reported in an individual with multifocal dystonia (described as R883H, Table S2, Wu et al. 2022. PubMed ID: 35041927). This variant is reported in 0.011% of alleles in individuals of East Asian descent in gnomAD. At this time, the clinical significance of this variant is uncertain due to the absence of conclusive functional and genetic evidence.

Labcorp Genetics (formerly Invitae), Labcorp
Classification: Uncertain significance for Dystonia 12. Last evaluated: 2025-02-04. Review status: criteria provided, single submitter. Criteria: Invitae Variant Classification Sherloc (09022015). Collection method: clinical testing. Allele origin: germline.
Comment: This sequence change replaces arginine, which is basic and polar, with histidine, which is basic and polar, at codon 883 of the ATP1A3 protein (p.Arg883His). This variant is present in population databases (rs782627825, gnomAD 0.01%). This missense change has been observed in individual(s) with clinical features of ATP1A3-related conditions (PMID: 35041927; internal data). ClinVar contains an entry for this variant (Variation ID: 1804858). Invitae Evidence Modeling of protein sequence and biophysical properties (such as structural, functional, and spatial information, amino acid conservation, physicochemical variation, residue mobility, and thermodynamic stability) has been performed for this missense variant. However, the output from this modeling did not meet the statistical confidence thresholds required to predict the impact of this variant on ATP1A3 protein function. In summary, the available evidence is currently insufficient to determine the role of this variant in disease. Therefore, it has been classified as a Variant of Uncertain Significance.

Women's Health and Genetics/Laboratory Corporation of America, LabCorp
Classification: Uncertain significance. Last evaluated: 2022-11-09. Review status: criteria provided, single submitter. Criteria: LabCorp Variant Classification Summary - May 2015. Collection method: clinical testing. Allele origin: germline.
Comment: Variant summary: ATP1A3 c.2648G>A (p.Arg883His) results in a non-conservative amino acid change located in the Cation-transporting P-type ATPase, C-terminal domain (IPR006968) of the encoded protein sequence. Four of five in-silico tools predict a damaging effect of the variant on protein function. The variant allele was found at a frequency of 2.4e-05 in 251484 control chromosomes (gnomAD). The available data on variant occurrences in the general population are insufficient to allow any conclusion about variant significance. c.2648G>A has been reported in the literature in individuals affected with dystonia, which belongs to the ATP1A3-Related disease spectrum, however no supportive evidence for causality was provided (Wu_2022). This report therefore does not provide unequivocal conclusions about association of the variant with ATP1A3-Related Disorders. To our knowledge, no experimental evidence demonstrating an impact on protein function has been reported. No clinical diagnostic laboratories have submitted clinical-significance assessments for this variant to ClinVar after 2014. Based on the evidence outlined above, the variant was classified as uncertain significance.

Literature cited by the submitters: PubMed 35041927 (cited by Labcorp Genetics (formerly Invitae), Labcorp and Women's Health and Genetics/Laboratory Corporation of America, LabCorp).